The following is an entry in ClinVar:

NM_000212.3(ITGB3):c.1915G>A (p.Glu639Lys)

Gene: ITGB3 (integrin subunit beta 3; plus strand). Cytogenetic location: 17q21.32.
Variant type: single nucleotide variant.
Coding change: c.1915G>A on transcript NM_000212.3 (MANE Select); coding-DNA position 1915, G replaced by A.
Protein change: p.Glu639Lys; replaces glutamic acid 639 with lysine.
Molecular consequence: missense variant.
Genome position (GRCh38, 1-based): chr17:47,300,479, G>A. VCF-style: chr17-47300479-G-A. GRCh37 (hg19) VCF-style: chr17-45377845-G-A.
Other names: p.Glu639Lys; short protein forms E639K.
Identifiers: ClinVar variation 4542189 (VCV004542189.1).

ClinVar aggregate classification (germline): Uncertain significance (1 of 4 stars; one submission).

gnomAD v4.1: 21 of 1,612,588 alleles (0.0013%); highest among the groups gnomAD compares: Non-Finnish European, 0.0017%; no homozygotes.

Submission:

Mayo Clinic Laboratories, Mayo Clinic
Classification: Uncertain significance. Last evaluated: 2024-12-27. Review status: criteria provided, single submitter. Criteria: ACMG Guidelines, 2015. Collection method: clinical testing. Allele origin: germline. Observed: 1 variant allele.
Comment: PM2_supporting

Literature cited by the submitters: PubMed 33724573.